The following is an entry in ClinVar:

ClinVar aggregate classification (germline): Uncertain significance (1 of 4 stars; one submission).

Conditions:
Cardiovascular phenotype. Identifiers: MedGen CN230736.

gnomAD v4.1: 15 of 1,613,020 alleles (0.00093%); highest among the groups gnomAD compares: South Asian, 0.016%; no homozygotes.

Submission:

Ambry Genetics
Classification: Uncertain significance for Cardiovascular phenotype. Last evaluated: 2024-11-03. Review status: criteria provided, single submitter. Criteria: Ambry Variant Classification Scheme 2023. Collection method: clinical testing. Allele origin: germline.
Comment: The p.T2116S variant (also known as c.6346A>T), located in coding exon 17 of the TNXB gene, results from an A to T substitution at nucleotide position 6346. The threonine at codon 2116 is replaced by serine, an amino acid with similar properties. This amino acid position is conserved. In addition, this alteration is predicted to be tolerated by in silico analysis. Based on the available evidence, the clinical significance of this variant remains unclear.

NM_001365276.2(TNXB):c.6346A>T (p.Thr2116Ser)

Gene: TNXB (tenascin XB; minus strand). Cytogenetic location: 6p21.33.
Variant type: single nucleotide variant.
Coding change: c.6346A>T on transcript NM_001365276.2 (MANE Select); coding-DNA position 6346, A replaced by T.
Protein change: p.Thr2116Ser; replaces threonine 2116 with serine.
Molecular consequence: missense variant.
Genome position (GRCh38, 1-based): chr6:32,067,859, T>A on the plus strand (A>T on the coding strand, the complement: TNXB is on the minus strand). VCF-style: chr6-32067859-T-A. GRCh37 (hg19) VCF-style: chr6-32035636-T-A.
Other names: c.7087A>T, p.Thr2363Ser (NM_001428335.1); c.6346A>T, p.Thr2116Ser (NM_019105.8); short protein forms T2363S, T2116S.
Identifiers: ClinVar variation 3459904 (VCV003459904.1).